The following is an entry in ClinVar:

NM_001099922.3(ALG13):c.89A>C (p.Glu30Ala)

Gene: ALG13 (ALG13 UDP-N-acetylglucosaminyltransferase subunit; plus strand). Cytogenetic location: Xq23.
Variant type: single nucleotide variant.
Coding change: c.89A>C on transcript NM_001099922.3 (MANE Select); coding-DNA position 89, A replaced by C.
Protein change: p.Glu30Ala; replaces glutamic acid 30 with alanine.
Molecular consequence: missense variant. On other transcripts: 5 prime UTR variant (6), non-coding transcript variant (1), intron variant (5).
Genome position (GRCh38, 1-based): chrX:111,682,139, A>C. VCF-style: chrX-111682139-A-C. GRCh37 (hg19) VCF-style: chrX-110925367-A-C.
Other names: c.89A>C, p.Glu30Ala (NM_001039210.5, NM_001168385.3, NM_001324290.2 and 2 more transcripts); c.-87A>C (NM_001257231.2, NM_001257241.3); c.-224A>C (NM_001257237.2, NM_001257239.3, NM_001257240.3 and 1 more transcripts); c.-127-97A>C (NM_001257234.2, NM_001257230.2, NM_001257235.3 and 2 more transcripts); short protein forms E30A.
Identifiers: ClinVar variation 2189466 (VCV002189466.5), dbSNP rs1009722243, ClinGen allele CA334441268.

ClinVar aggregate classification (germline): Conflicting classifications of pathogenicity. Review status: criteria provided, conflicting classifications (1 of 4 stars). 2 submissions from 2 submitters: Uncertain significance (1); Likely benign (1). Last evaluated 2024-05-15.

Conditions:
Developmental and epileptic encephalopathy, 36 (DEE36). Also called: ALG13-CDG; Congenital disorder of glycosylation, type Is; Epileptic encephalopathy, early infantile, 36. Identifiers: Orphanet 324422, MedGen C4317295, MONDO:0010472, OMIM 300884.

Submissions (2):

Labcorp Genetics (formerly Invitae), Labcorp
Classification: Uncertain significance for Developmental and epileptic encephalopathy, 36. Last evaluated: 2024-05-15. Review status: criteria provided, single submitter. Criteria: Invitae Variant Classification Sherloc (09022015). Collection method: clinical testing. Allele origin: germline.
Comment: This sequence change replaces glutamic acid, which is acidic and polar, with alanine, which is neutral and non-polar, at codon 30 of the ALG13 protein (p.Glu30Ala). This variant is not present in population databases (gnomAD no frequency). This variant has not been reported in the literature in individuals affected with ALG13-related conditions. ClinVar contains an entry for this variant (Variation ID: 2189466). An algorithm developed to predict the effect of missense changes on protein structure and function (PolyPhen-2) suggests that this variant is likely to be tolerated. In summary, the available evidence is currently insufficient to determine the role of this variant in disease. Therefore, it has been classified as a Variant of Uncertain Significance.

Blueprint Genetics
Classification: Likely benign. Last evaluated: 2023-10-11. Review status: criteria provided, single submitter. Criteria: ACMG Guidelines, 2015. Collection method: clinical testing. Allele origin: germline.